The following is an entry in ClinVar:

ClinVar aggregate classification (germline): Uncertain significance. Review status: criteria provided, multiple submitters, no conflicts (2 of 4 stars). 3 submissions from 3 submitters: Uncertain significance (3). Last evaluated 2024-09-08.

Conditions:
Inborn genetic diseases. Identifiers: MedGen C0950123, MeSH D030342.
Fraser syndrome 1 (FRASRS1). Also called: CRYPTOPHTHALMOS WITH OTHER MALFORMATIONS. Identifiers: Orphanet 2052, MedGen C4551480, MONDO:0054737, OMIM 219000.

Allele frequency attached by ClinVar (database versions not stated): gnomAD 0.00002 and 0.00003; gnomAD exomes 0.00003 and 0.00012; TOPMed 0.00008; ExAC 0.00017.
gnomAD v4.1: 44 of 1,566,128 alleles (0.0028%); highest among the groups gnomAD compares: Admixed American, 0.052%; no homozygotes.

Submissions (3):

Ambry Genetics
Classification: Uncertain significance for Inborn genetic diseases. Last evaluated: 2024-09-08. Review status: criteria provided, single submitter. Criteria: Ambry Variant Classification Scheme 2023. Collection method: clinical testing. Allele origin: germline.

Fulgent Genetics
Classification: Uncertain significance for Fraser syndrome 1. Last evaluated: 2024-03-27. Review status: criteria provided, single submitter. Criteria: ACMG Guidelines, 2015. Collection method: clinical testing. Allele origin: germline.

GeneDx
Classification: Uncertain significance. Last evaluated: 2020-10-28. Review status: criteria provided, single submitter. Criteria: GeneDx Variant Classification Process June 2021. Collection method: clinical testing. Allele origin: germline. Affected: yes.
Comment: In silico analysis supports that this missense variant does not alter protein structure/function; Has not been previously published as pathogenic or benign to our knowledge

NM_025074.7(FRAS1):c.5215G>A (p.Val1739Met)

Gene: FRAS1 (Fraser extracellular matrix complex subunit 1; plus strand). Cytogenetic location: 4q21.21.
Variant type: single nucleotide variant.
Coding change: c.5215G>A on transcript NM_025074.7 (MANE Select); coding-DNA position 5215, G replaced by A.
Protein change: p.Val1739Met; replaces valine 1739 with methionine.
Molecular consequence: missense variant.
Genome position (GRCh38, 1-based): chr4:78,432,602, G>A. VCF-style: chr4-78432602-G-A. GRCh37 (hg19) VCF-style: chr4-79353756-G-A.
Other names: c.5215G>A, p.Val1739Met (NM_001166133.2); short protein forms V1739M.
Identifiers: ClinVar variation 1313409 (VCV001313409.4), dbSNP rs773648720, ClinGen allele CA2977446.
Genomic context (GRCh38, chr4:78,432,602, plus strand): 5'-CTGAGCATTACTGTTGCCAGTAAAAGCACAGCCATAATCACTAGGTCACACCTTGCTTAC[G>A]TGGTAAGTTCTTCCATTTGCTGTGTTTGTTCTCCACCGCCGCATCTTCTGATGGGGCAGA-3'
Protein context (NP_079350.5, residues 1729-1749): AIITRSHLAY[Val1739Met]DDSSPDPEIW